The following is an entry in ClinVar:

NM_006208.3(ENPP1):c.1802C>T (p.Thr601Met)

Gene: ENPP1 (ectonucleotide pyrophosphatase/phosphodiesterase 1; plus strand). Cytogenetic location: 6q23.2.
Variant type: single nucleotide variant.
Coding change: c.1802C>T on transcript NM_006208.3 (MANE Select); coding-DNA position 1802, C replaced by T.
Protein change: p.Thr601Met; replaces threonine 601 with methionine.
Molecular consequence: missense variant.
Genome position (GRCh38, 1-based): chr6:131,877,070, C>T. VCF-style: chr6-131877070-C-T. GRCh37 (hg19) VCF-style: chr6-132198210-C-T.
Other names: short protein forms T601M.
Identifiers: ClinVar variation 2084393 (VCV002084393.5), dbSNP rs763005831, ClinGen allele CA4002331.

ClinVar aggregate classification (germline): Uncertain significance. Review status: criteria provided, multiple submitters, no conflicts (2 of 4 stars). 2 submissions from 2 submitters: Uncertain significance (2). Last evaluated 2025-01-29.

Conditions:
Inborn genetic diseases. Identifiers: MedGen C0950123, MeSH D030342.

Allele frequency attached by ClinVar (database versions not stated): ExAC 0.00003; gnomAD exomes 0.00003; gnomAD 0.00004; TOPMed 0.00006.
gnomAD v4.1: 49 of 1,613,892 alleles (0.003%); highest among the groups gnomAD compares: Admixed American, 0.015%; no homozygotes.

Submissions (2):

Labcorp Genetics (formerly Invitae), Labcorp
Classification: Uncertain significance. Last evaluated: 2025-01-29. Review status: criteria provided, single submitter. Criteria: Invitae Variant Classification Sherloc (09022015). Collection method: clinical testing. Allele origin: germline.
Comment: This sequence change replaces threonine, which is neutral and polar, with methionine, which is neutral and non-polar, at codon 601 of the ENPP1 protein (p.Thr601Met). This variant is present in population databases (rs763005831, gnomAD 0.02%). This variant has not been reported in the literature in individuals affected with ENPP1-related conditions. ClinVar contains an entry for this variant (Variation ID: 2084393). Invitae Evidence Modeling of protein sequence and biophysical properties (such as structural, functional, and spatial information, amino acid conservation, physicochemical variation, residue mobility, and thermodynamic stability) indicates that this missense variant is not expected to disrupt ENPP1 protein function with a negative predictive value of 80%. In summary, the available evidence is currently insufficient to determine the role of this variant in disease. Therefore, it has been classified as a Variant of Uncertain Significance.

Ambry Genetics
Classification: Uncertain significance for Inborn genetic diseases. Last evaluated: 2022-11-15. Review status: criteria provided, single submitter. Criteria: Ambry Variant Classification Scheme 2023. Collection method: clinical testing. Allele origin: germline.